The following is an entry in ClinVar:

NC_000003.11:g.(?_136012588)_(136035916_?)del

Gene: PCCB (propionyl-CoA carboxylase subunit beta; plus strand). Cytogenetic location: 3q22.3.
Variant type: Deletion.
Identifiers: ClinVar variation 1076889 (VCV001076889.4).

ClinVar aggregate classification (germline): Pathogenic (1 of 4 stars; one submission).

Conditions:
Propionic acidemia (PROP). Also called: GLYCINEMIA, KETOTIC; HYPERGLYCINEMIA WITH KETOACIDOSIS AND LEUKOPENIA; KETOTIC HYPERGLYCINEMIA. Identifiers: Orphanet 35, MedGen C0268579, MONDO:0011628, OMIM 606054, HP:0003571.

Submission:

Labcorp Genetics (formerly Invitae), Labcorp
Classification: Pathogenic for Propionic acidemia. Last evaluated: 2020-01-08. Review status: criteria provided, single submitter. Criteria: Invitae Variant Classification Sherloc (09022015). Collection method: clinical testing. Allele origin: germline.
Comment: This variant is an out-of-frame deletion of the genomic region encompassing exon(s) 7-10 of the PCCB gene. This is expected to create a premature translational stop signal and result in an absent or disrupted protein product. This variant has not been reported in the literature in individuals with PCCB-related conditions. Loss-of-function variants in PCCB are known to be pathogenic (PMID: 15464417). For these reasons, this variant has been classified as Pathogenic.

Literature cited by the submitters: PubMed 15464417.